The following is an entry in ClinVar:

ClinVar aggregate classification (germline): Likely benign (0 of 4 stars; one submission).

Conditions:
SPOCK1-related disorder. Also called: SPOCK1-related condition.

Allele frequency attached by ClinVar (database versions not stated): gnomAD 0.00007; TOPMed 0.00010; ExAC 0.00012; ESP Exome Variant Server 0.00015.

Submission:

PreventionGenetics, part of Exact Sciences
Classification: Likely benign for SPOCK1-related condition. Last evaluated: 2019-02-28. Review status: no assertion criteria provided. Collection method: clinical testing. Allele origin: germline.
Comment: This variant is classified as likely benign based on ACMG/AMP sequence variant interpretation guidelines (Richards et al. 2015 PMID: 25741868, with internal and published modifications).

NM_004598.4(SPOCK1):c.393G>A (p.Ser131=)

Gene: SPOCK1 (SPARC (osteonectin), cwcv and kazal like domains proteoglycan 1; minus strand). Cytogenetic location: 5q31.2.
Variant type: single nucleotide variant.
Coding change: c.393G>A on transcript NM_004598.4 (MANE Select); coding-DNA position 393, G replaced by A.
Protein change: p.Ser131=; no amino-acid change (serine 131 retained).
Molecular consequence: synonymous variant.
Genome position (GRCh38, 1-based): chr5:137,112,516, C>T on the plus strand (G>A on the coding strand, the complement: SPOCK1 is on the minus strand). VCF-style: chr5-137112516-C-T. GRCh37 (hg19) VCF-style: chr5-136448205-C-T.
Identifiers: ClinVar variation 3039584 (VCV003039584.2), dbSNP rs144155642, ClinGen allele CA3421938.